The following is an entry in ClinVar:

NM_000035.4(ALDOB):c.474T>A (p.Cys158Ter)

Gene: ALDOB (aldolase, fructose-bisphosphate B; minus strand). Cytogenetic location: 9q31.1.
Variant type: single nucleotide variant.
Coding change: c.474T>A on transcript NM_000035.4 (MANE Select); coding-DNA position 474, T replaced by A.
Protein change: p.Cys158Ter; replaces cysteine 158 with a stop codon.
Molecular consequence: nonsense.
Genome position (GRCh38, 1-based): chr9:101,427,548, A>T on the plus strand (T>A on the coding strand, the complement: ALDOB is on the minus strand). VCF-style: chr9-101427548-A-T. GRCh37 (hg19) VCF-style: chr9-104189830-A-T.
Other names: short protein forms C158*.
Identifiers: ClinVar variation 983977 (VCV000983977.3), dbSNP rs1179941004, ClinGen allele CA374265293.

ClinVar aggregate classification (germline): Likely pathogenic (1 of 4 stars; one submission).

Conditions:
Hereditary fructosuria. Also called: Hereditary fructose intolerance; ALDOB DEFICIENCY; ALDOLASE B DEFICIENCY; FRUCTOSE-1,6-BISPHOSPHATE ALDOLASE B DEFICIENCY; FRUCTOSE-1-PHOSPHATE ALDOLASE DEFICIENCY; FRUCTOSEMIA. Identifiers: Orphanet 469, MedGen C0016751, MONDO:0009249, OMIM 229600, HP:0005973. Disease mechanism: loss of function.

Submission:

Myriad Genetics, Inc.
Classification: Likely pathogenic for Hereditary fructosuria. Last evaluated: 2019-12-22. Review status: criteria provided, single submitter. Criteria: Myriad Women's Health Autosomal Recessive and X-Linked Classification Criteria (2019). Collection method: clinical testing. Allele origin: unknown.
Comment: NM_000035.3(ALDOB):c.474T>A(C158*) is expected to be pathogenic in the context of hereditary fructose intolerance. This variant is predicted to lead to an abnormal or absent protein product due to the creation of a premature termination codon in ALDOB, a gene where loss-of-function variants are known to be pathogenic. Please note: this variant was assessed in the context of healthy population screening.